The following is an entry in ClinVar:

NM_015335.5(MED13L):c.5008A>G (p.Ser1670Gly)

Gene: MED13L (mediator complex subunit 13L; minus strand). Cytogenetic location: 12q24.21.
Variant type: single nucleotide variant.
Coding change: c.5008A>G on transcript NM_015335.5 (MANE Select); coding-DNA position 5008, A replaced by G.
Protein change: p.Ser1670Gly; replaces serine 1670 with glycine.
Molecular consequence: missense variant.
Genome position (GRCh38, 1-based): chr12:115,982,551, T>C on the plus strand (A>G on the coding strand, the complement: MED13L is on the minus strand). VCF-style: chr12-115982551-T-C. GRCh37 (hg19) VCF-style: chr12-116420356-T-C.
Other names: short protein forms S1670G.
Identifiers: ClinVar variation 3670360 (VCV003670360.2).
Genomic context (GRCh38, chr12:115,982,551, plus strand): 5'-CTGCAGCATACGTGAACGGGTCCACCATGTAAATGACAACAGCTGGAGGGTGGGCATGGC[T>C]GTCTGCAGAGTCAGGCTCCGTGGGAATTCCTATTCTCTCCCTTTCTGTAACACTGGAGAG-3'
Protein context (NP_056150.1, residues 1660-1680): GIPTEPDSAD[Ser1670Gly]HAHPPAVVIY

ClinVar aggregate classification (germline): Uncertain significance (1 of 4 stars; one submission).

Conditions:
Dextro-looped transposition of the great arteries. Also called: Dextrotransposition of the great arteries. Identifiers: Orphanet 860, MedGen C3531771, MONDO:0019443, OMIM 608808, HP:0031348.

gnomAD v4.1: 54 of 1,614,048 alleles (0.0033%); highest among the groups gnomAD compares: Non-Finnish European, 0.0044%; no homozygotes.

Submission:

Labcorp Genetics (formerly Invitae), Labcorp
Classification: Uncertain significance for Dextro-looped transposition of the great arteries. Last evaluated: 2024-10-22. Review status: criteria provided, single submitter. Criteria: Invitae Variant Classification Sherloc (09022015). Collection method: clinical testing. Allele origin: germline.
Comment: This sequence change replaces serine, which is neutral and polar, with glycine, which is neutral and non-polar, at codon 1670 of the MED13L protein (p.Ser1670Gly). This variant is not present in population databases (gnomAD no frequency). This variant has not been reported in the literature in individuals affected with MED13L-related conditions. Invitae Evidence Modeling of protein sequence and biophysical properties (such as structural, functional, and spatial information, amino acid conservation, physicochemical variation, residue mobility, and thermodynamic stability) indicates that this missense variant is not expected to disrupt MED13L protein function with a negative predictive value of 80%. In summary, the available evidence is currently insufficient to determine the role of this variant in disease. Therefore, it has been classified as a Variant of Uncertain Significance.